The following is an entry in ClinVar:

NM_001042413.2(GLIS3):c.2129-1410G>C

Gene: GLIS3 (GLIS family zinc finger 3; minus strand). Cytogenetic location: 9p24.2.
Variant type: single nucleotide variant.
Coding change: c.2129-1410G>C on transcript NM_001042413.2 (MANE Select); 1410 bases into the intron before coding-DNA position 2129, G replaced by C.
Molecular consequence: intron variant.
Genome position (GRCh38, 1-based): chr9:3,881,005, C>G on the plus strand (G>C on the coding strand, the complement: GLIS3 is on the minus strand). VCF-style: chr9-3881005-C-G. GRCh37 (hg19) VCF-style: chr9-3881005-C-G.
Other names: c.1664-1410G>C (NM_152629.4).
Identifiers: ClinVar variation 1226925 (VCV001226925.3), dbSNP rs10973998, ClinGen allele CA15597137.

ClinVar aggregate classification (germline): Benign (1 of 4 stars; one submission).

Allele frequency attached by ClinVar (database versions not stated): 1000 Genomes Project 30x 0.18707; 1000 Genomes Project 0.18790; TOPMed 0.19230.
gnomAD v4.1: 29,242 of 152,122 alleles (19%); highest among the groups gnomAD compares: African/African-American, 22%; 2,876 homozygotes.

Submission:

GeneDx
Classification: Benign. Last evaluated: 2020-02-18. Review status: criteria provided, single submitter. Criteria: GeneDx Variant Classification Process June 2021. Collection method: clinical testing. Allele origin: germline. Affected: yes.
Comment: This variant is associated with the following publications: (PMID: 30181159)